The following is an entry in ClinVar:

ClinVar aggregate classification (germline): Uncertain significance (1 of 4 stars; one submission).

Conditions:
Adams-Oliver syndrome 5 (AOS5). Identifiers: Orphanet 974, MedGen C4014970, MONDO:0014459, OMIM 616028.

Allele frequency attached by ClinVar (database versions not stated): gnomAD exomes below 0.00001; TOPMed below 0.00001.
gnomAD v4.1: 1 of 1,599,770 alleles (0.000063%); highest among the groups gnomAD compares: South Asian, 0.0011%; no homozygotes.

Submission:

Labcorp Genetics (formerly Invitae), Labcorp
Classification: Uncertain significance for Adams-Oliver syndrome 5. Last evaluated: 2024-01-07. Review status: criteria provided, single submitter. Criteria: Invitae Variant Classification Sherloc (09022015). Collection method: clinical testing. Allele origin: germline.
Comment: This sequence change replaces alanine, which is neutral and non-polar, with valine, which is neutral and non-polar, at codon 1297 of the NOTCH1 protein (p.Ala1297Val). This variant is not present in population databases (gnomAD no frequency). This variant has not been reported in the literature in individuals affected with NOTCH1-related conditions. Advanced modeling of protein sequence and biophysical properties (such as structural, functional, and spatial information, amino acid conservation, physicochemical variation, residue mobility, and thermodynamic stability) performed at Invitae indicates that this missense variant is not expected to disrupt NOTCH1 protein function with a negative predictive value of 80%. In summary, the available evidence is currently insufficient to determine the role of this variant in disease. Therefore, it has been classified as a Variant of Uncertain Significance.

NM_017617.5(NOTCH1):c.3890C>T (p.Ala1297Val)

Gene: NOTCH1 (notch receptor 1; minus strand). Cytogenetic location: 9q34.3.
Variant type: single nucleotide variant.
Coding change: c.3890C>T on transcript NM_017617.5 (MANE Select); coding-DNA position 3890, C replaced by T.
Protein change: p.Ala1297Val; replaces alanine 1297 with valine.
Molecular consequence: missense variant.
Genome position (GRCh38, 1-based): chr9:136,506,727, G>A on the plus strand (C>T on the coding strand, the complement: NOTCH1 is on the minus strand). VCF-style: chr9-136506727-G-A. GRCh37 (hg19) VCF-style: chr9-139401179-G-A.
Other names: short protein forms A1297V.
Identifiers: ClinVar variation 2842970 (VCV002842970.3), dbSNP rs926571912, ClinGen allele CA201578870.